The following is an entry in ClinVar:

ClinVar aggregate classification (germline): Likely pathogenic (1 of 4 stars; one submission).

Conditions:
Non-small cell lung carcinoma (NSCLC). Also called: Non-small cell lung cancer. Identifiers: MedGen C0007131, MeSH D002289, MONDO:0005233, HP:0030358. Disease mechanism: Other.

Submission:

Laboratory for Molecular Medicine, Mass General Brigham Personalized Medicine
Classification: Likely pathogenic for Non-small cell lung carcinoma. Last evaluated: 2011-11-10. Review status: criteria provided, single submitter. Criteria: LMM Criteria. Collection method: clinical testing. Allele origin: somatic. Observed: 1 variant allele.
Comment: The Met774fs variant has not been previously reported nor previously identified by our laboratory. This variant is predicted to cause a frameshift, which alters the protein's amino acid sequence beginning at codon 774 and leads to a prematu re stop codon 17 amino acids downstream. This alteration is then predicted to le ad to a truncated or absent protein. Somatic ERBB2 variants have been identified in up to 9.8% of cases of lung adenocarcinoma (Cancer Genome Project and Collab orative Group 2004).

NM_004448.4(ERBB2):c.2320del (p.Met774fs)

Gene: ERBB2 (erb-b2 receptor tyrosine kinase 2; plus strand). Cytogenetic location: 17q12.
Variant type: Deletion.
Coding change: c.2320del on transcript NM_004448.4 (MANE Select); coding-DNA position 2320, one base deleted (A; older notation c.2320delA).
Protein change: p.Met774fs; shifts the reading frame from methionine 774.
Molecular consequence: frameshift variant. On other transcripts: non-coding transcript variant (1), intron variant (2).
Genome position (GRCh38, 1-based): chr17:39,724,738, A deleted. VCF-style (leftmost placement, unchanged base first): chr17-39724737-GA-G. GRCh37 (hg19) VCF-style: chr17-37880990-GA-G.
Other names: c.2230del, p.Met744fs (NM_001005862.3, NM_001382782.1, NM_001382783.1); c.2275del, p.Met759fs (NM_001289936.2); c.2320del, p.Met774fs (NM_001289937.2, NM_001382796.1, NM_001382798.1); c.2437del, p.Met813fs (NM_001382784.1); c.2422del, p.Met808fs (NM_001382785.1); c.2401del, p.Met801fs (NM_001382786.1); c.2395del, p.Met799fs (NM_001382787.1); c.2350del, p.Met784fs (NM_001382788.1); and 13 more; short protein forms M744fs, M759fs, M774fs, M428fs, M498fs, M688fs, M714fs, M741fs.
Identifiers: ClinVar variation 44986 (VCV000044986.4), dbSNP rs397516978, ClinGen allele CA135370.